The following is an entry in ClinVar:

ClinVar aggregate classification (germline): Uncertain significance (1 of 4 stars; one submission).

Conditions:
PLXNA3-related disorder. Also called: PLXNA3-related condition.

gnomAD v4.1: 35 of 1,162,895 alleles (0.003%); highest among the groups gnomAD compares: Middle Eastern, 0.048%; no homozygotes.

Submission:

PreventionGenetics, part of Exact Sciences
Classification: Uncertain significance for PLXNA3-related condition. Last evaluated: 2025-09-04. Review status: criteria provided, single submitter. Criteria: ACMG Guidelines, 2015. Collection method: clinical testing. Allele origin: germline.
Comment: The PLXNA3 c.493C>G variant is predicted to result in the amino acid substitution p.Leu165Val. To our knowledge, this variant has not been reported in the literature. This variant is reported in 0.0040% of alleles in individuals of European (Non-Finnish) descent in gnomAD. At this time, the clinical significance of this variant is uncertain due to the absence of conclusive functional and genetic evidence.

NM_017514.5(PLXNA3):c.493C>G (p.Leu165Val)

Gene: PLXNA3 (plexin A3; plus strand). Cytogenetic location: Xq28.
Variant type: single nucleotide variant.
Coding change: c.493C>G on transcript NM_017514.5 (MANE Select); coding-DNA position 493, C replaced by G.
Protein change: p.Leu165Val; replaces leucine 165 with valine.
Molecular consequence: missense variant.
Genome position (GRCh38, 1-based): chrX:154,460,676, C>G. VCF-style: chrX-154460676-C-G. GRCh37 (hg19) VCF-style: chrX-153689016-C-G.
Other names: short protein forms L165V.
Identifiers: ClinVar variation 4989233 (VCV004989233.1).